The following is an entry in ClinVar:

ClinVar aggregate classification (germline): Uncertain significance. Review status: criteria provided, multiple submitters, no conflicts (2 of 4 stars). 3 submissions from 3 submitters: Uncertain significance (3). Last evaluated 2025-09-05.

Conditions:
Inborn genetic diseases. Identifiers: MedGen C0950123, MeSH D030342.
Hypotonia, infantile, with psychomotor retardation and characteristic facies 2 (IHPRF2). Also called: UNC80 Deficiency. Identifiers: Orphanet 371364, Orphanet 700333, MedGen C4225203, MONDO:0014777, OMIM 616801.

Allele frequency attached by ClinVar (database versions not stated): TOPMed 0.00010; gnomAD exomes 0.00001; gnomAD 0.00006.
gnomAD v4.1: 25 of 1,551,550 alleles (0.0016%); highest among the groups gnomAD compares: Admixed American, 0.018%; no homozygotes.

Submissions (3):

Ambry Genetics
Classification: Uncertain significance for Inborn genetic diseases. Last evaluated: 2025-09-05. Review status: criteria provided, single submitter. Criteria: Ambry Variant Classification Scheme 2023. Collection method: clinical testing. Allele origin: germline.

Labcorp Genetics (formerly Invitae), Labcorp
Classification: Uncertain significance. Last evaluated: 2023-11-09. Review status: criteria provided, single submitter. Criteria: Invitae Variant Classification Sherloc (09022015). Collection method: clinical testing. Allele origin: germline.
Comment: This sequence change replaces arginine, which is basic and polar, with histidine, which is basic and polar, at codon 2782 of the UNC80 protein (p.Arg2782His). This variant is present in population databases (no rsID available, gnomAD 0.002%). This variant has not been reported in the literature in individuals affected with UNC80-related conditions. ClinVar contains an entry for this variant (Variation ID: 1490504). Advanced modeling of protein sequence and biophysical properties (such as structural, functional, and spatial information, amino acid conservation, physicochemical variation, residue mobility, and thermodynamic stability) performed at Invitae indicates that this missense variant is not expected to disrupt UNC80 protein function with a negative predictive value of 80%. In summary, the available evidence is currently insufficient to determine the role of this variant in disease. Therefore, it has been classified as a Variant of Uncertain Significance.

Revvity Omics, Revvity
Classification: Uncertain significance for Hypotonia, infantile, with psychomotor retardation and characteristic facies 2. Last evaluated: 2022-01-06. Review status: criteria provided, single submitter. Criteria: ACMG Guidelines, 2015. Collection method: clinical testing. Allele origin: germline.

NM_001371986.1(UNC80):c.8543G>A (p.Arg2848His)

Gene: UNC80 (unc-80 subunit of NALCN channel complex; plus strand). Cytogenetic location: 2q34.
Variant type: single nucleotide variant.
Coding change: c.8543G>A on transcript NM_001371986.1 (MANE Select); coding-DNA position 8543, G replaced by A.
Protein change: p.Arg2848His; replaces arginine 2848 with histidine.
Molecular consequence: missense variant.
Genome position (GRCh38, 1-based): chr2:209,973,226, G>A. VCF-style: chr2-209973226-G-A. GRCh37 (hg19) VCF-style: chr2-210837950-G-A.
Other names: c.8345G>A (NM_032504.1); c.8345G>A, p.Arg2782His (NM_032504.2); c.8330G>A, p.Arg2777His (NM_182587.4); short protein forms R2777H, R2848H, R2782H.
Identifiers: ClinVar variation 1490504 (VCV001490504.8), dbSNP rs922116561, ClinGen allele CA64657576.